The following is an entry in ClinVar:

NM_020247.5(COQ8A):c.1009G>A (p.Ala337Thr)

Gene: COQ8A (coenzyme Q8A; plus strand). Cytogenetic location: 1q42.13.
Variant type: single nucleotide variant.
Coding change: c.1009G>A on transcript NM_020247.5 (MANE Select); coding-DNA position 1009, G replaced by A.
Protein change: p.Ala337Thr; replaces alanine 337 with threonine.
Molecular consequence: missense variant.
Genome position (GRCh38, 1-based): chr1:226,982,963, G>A. VCF-style: chr1-226982963-G-A. GRCh37 (hg19) VCF-style: chr1-227170664-G-A.
Other names: p.Ala337Thr; short protein forms A337T.
Identifiers: ClinVar variation 3380669 (VCV003380669.1).
Genomic context (GRCh38, chr1:226,982,963, plus strand): 5'-AACAACGACCTGGGCCCCAACTGGCGGGACAAGTTGGAATACTTCGAGGAGCGGCCCTTC[G>A]CCGCCGCATCCATTGGGCAGGTGCACTTGGCCCGAATGAAGGGCGGCCGCGAGGTGGCCA-3'
Protein context (NP_064632.2, residues 327-347): KLEYFEERPF[Ala337Thr]AASIGQVHLA

ClinVar aggregate classification (germline): Uncertain significance (1 of 4 stars; one submission).

gnomAD v4.1: 34 of 1,604,424 alleles (0.0021%); highest among the groups gnomAD compares: African/African-American, 0.013%; no homozygotes.

Submission:

Mayo Clinic Laboratories, Mayo Clinic
Classification: Uncertain significance. Last evaluated: 2024-08-21. Review status: criteria provided, single submitter. Criteria: ACMG Guidelines, 2015. Collection method: clinical testing. Allele origin: germline. Observed: 1 variant allele.
Comment: PP3, PM2, PM3_supporting

Literature cited by the submitters: PubMed 32337771; PubMed 33624863.